The following is an entry in ClinVar:

NM_024649.5(BBS1):c.533A>G (p.Glu178Gly)

Gene: BBS1 (Bardet-Biedl syndrome 1; plus strand). Cytogenetic location: 11q13.2.
Variant type: single nucleotide variant.
Coding change: c.533A>G on transcript NM_024649.5 (MANE Select); coding-DNA position 533, A replaced by G.
Protein change: p.Glu178Gly; replaces glutamic acid 178 with glycine.
Molecular consequence: missense variant.
Genome position (GRCh38, 1-based): chr11:66,515,875, A>G. VCF-style: chr11-66515875-A-G. GRCh37 (hg19) VCF-style: chr11-66283346-A-G.
Other names: short protein forms E178G.
Identifiers: ClinVar variation 1473056 (VCV001473056.4), dbSNP rs1454643152, ClinGen allele CA381457522.

ClinVar aggregate classification (germline): Uncertain significance (1 of 4 stars; one submission).

Conditions:
Bardet-Biedl syndrome (BBS). Identifiers: Orphanet 110, MedGen C0752166, MONDO:0015229.

Allele frequency attached by ClinVar (database versions not stated): gnomAD exomes below 0.00001 and 0.00001; gnomAD 0.00001; TOPMed 0.00001.

Submission:

Labcorp Genetics (formerly Invitae), Labcorp
Classification: Uncertain significance for Bardet-Biedl syndrome. Last evaluated: 2025-07-28. Review status: criteria provided, single submitter. Criteria: Invitae Variant Classification Sherloc (09022015). Collection method: clinical testing. Allele origin: germline.
Comment: This sequence change replaces glutamic acid, which is acidic and polar, with glycine, which is neutral and non-polar, at codon 178 of the BBS1 protein (p.Glu178Gly). This variant is not present in population databases (gnomAD no frequency). This variant has not been reported in the literature in individuals affected with BBS1-related conditions. ClinVar contains an entry for this variant (Variation ID: 1473056). Invitae Evidence Modeling of protein sequence and biophysical properties (such as structural, functional, and spatial information, amino acid conservation, physicochemical variation, residue mobility, and thermodynamic stability) has been performed for this missense variant. However, the output from this modeling did not meet the statistical confidence thresholds required to predict the impact of this variant on BBS1 protein function. In summary, the available evidence is currently insufficient to determine the role of this variant in disease. Therefore, it has been classified as a Variant of Uncertain Significance.